The following is an entry in ClinVar:

NM_024675.4(PALB2):c.2316T>G (p.Asp772Glu)

Gene: PALB2 (partner and localizer of BRCA2; minus strand). Cytogenetic location: 16p12.2.
Variant type: single nucleotide variant.
Coding change: c.2316T>G on transcript NM_024675.4 (MANE Select); coding-DNA position 2316, T replaced by G.
Protein change: p.Asp772Glu; replaces aspartic acid 772 with glutamic acid.
Molecular consequence: missense variant.
Genome position (GRCh38, 1-based): chr16:23,629,838, A>C on the plus strand (T>G on the coding strand, the complement: PALB2 is on the minus strand). VCF-style: chr16-23629838-A-C. GRCh37 (hg19) VCF-style: chr16-23641159-A-C.
Other names: short protein forms D772E.
Identifiers: ClinVar variation 1000769 (VCV001000769.9), dbSNP rs1555460406, ClinGen allele CA395125170.

ClinVar aggregate classification (germline): Uncertain significance (1 of 4 stars; one submission).

Conditions:
Familial cancer of breast. Also called: Hereditary breast cancer; hereditary breast carcinoma; BREAST CANCER, FAMILIAL. Identifiers: Orphanet 227535, MedGen C0346153, MONDO:0016419, OMIM 114480. Disease mechanism: loss of function.

Submission:

Labcorp Genetics (formerly Invitae), Labcorp
Classification: Uncertain significance for Familial cancer of breast. Last evaluated: 2020-07-25. Review status: criteria provided, single submitter. Criteria: Invitae Variant Classification Sherloc (09022015). Collection method: clinical testing. Allele origin: germline.
Comment: Algorithms developed to predict the effect of missense changes on protein structure and function (SIFT, PolyPhen-2, Align-GVGD) all suggest that this variant is likely to be tolerated, but these predictions have not been confirmed by published functional studies and their clinical significance is uncertain. In summary, the available evidence is currently insufficient to determine the role of this variant in disease. Therefore, it has been classified as a Variant of Uncertain Significance. This variant has not been reported in the literature in individuals with PALB2-related conditions. This variant is not present in population databases (ExAC no frequency). This sequence change replaces aspartic acid with glutamic acid at codon 772 of the PALB2 protein (p.Asp772Glu). The aspartic acid residue is moderately conserved and there is a small physicochemical difference between aspartic acid and glutamic acid.